The following is an entry in ClinVar:

NM_004519.4(KCNQ3):c.1911C>A (p.Asp637Glu)

Gene: KCNQ3 (potassium voltage-gated channel subfamily Q member 3; minus strand). Cytogenetic location: 8q24.22.
Variant type: single nucleotide variant.
Coding change: c.1911C>A on transcript NM_004519.4 (MANE Select); coding-DNA position 1911, C replaced by A.
Protein change: p.Asp637Glu; replaces aspartic acid 637 with glutamic acid.
Molecular consequence: missense variant.
Genome position (GRCh38, 1-based): chr8:132,129,970, G>T on the plus strand (C>A on the coding strand, the complement: KCNQ3 is on the minus strand). VCF-style: chr8-132129970-G-T. GRCh37 (hg19) VCF-style: chr8-133142217-G-T.
Other names: c.1551C>A, p.Asp517Glu (NM_001204824.2); short protein forms D517E, D637E.
Identifiers: ClinVar variation 1438748 (VCV001438748.9), dbSNP rs756450456, ClinGen allele CA4880545.

ClinVar aggregate classification (germline): Uncertain significance (1 of 4 stars; one submission).

Conditions:
Benign neonatal seizures. Also called: Benign familial neonatal seizures; Benign neonatal familial convulsions; Benign familial neonatal epilepsy; Convulsions benign familial neonatal dominant form; Autosomal dominant form of benign neonatal seizures. Identifiers: Orphanet 1949, MedGen C0220669, MONDO:0016027.

Allele frequency attached by ClinVar (database versions not stated): ExAC 0.00001.
gnomAD v4.1: 1 of 1,613,786 alleles (0.000062%); highest among the groups gnomAD compares: Admixed American, 0.0017%; no homozygotes.

Submission:

Labcorp Genetics (formerly Invitae), Labcorp
Classification: Uncertain significance for Benign neonatal seizures. Last evaluated: 2025-06-18. Review status: criteria provided, single submitter. Criteria: Invitae Variant Classification Sherloc (09022015). Collection method: clinical testing. Allele origin: germline.
Comment: This sequence change replaces aspartic acid, which is acidic and polar, with glutamic acid, which is acidic and polar, at codon 637 of the KCNQ3 protein (p.Asp637Glu). This variant is present in population databases (rs756450456, gnomAD 0.003%). This variant has not been reported in the literature in individuals affected with KCNQ3-related conditions. ClinVar contains an entry for this variant (Variation ID: 1438748). Invitae Evidence Modeling of protein sequence and biophysical properties (such as structural, functional, and spatial information, amino acid conservation, physicochemical variation, residue mobility, and thermodynamic stability) indicates that this missense variant is not expected to disrupt KCNQ3 protein function with a negative predictive value of 80%. In summary, the available evidence is currently insufficient to determine the role of this variant in disease. Therefore, it has been classified as a Variant of Uncertain Significance.